The following is an entry in ClinVar:

NM_000093.5(COL5A1):c.470G>A (p.Gly157Asp)

Gene: COL5A1 (collagen type V alpha 1 chain; plus strand). Cytogenetic location: 9q34.3.
Variant type: single nucleotide variant.
Coding change: c.470G>A on transcript NM_000093.5 (MANE Select); coding-DNA position 470, G replaced by A.
Protein change: p.Gly157Asp; replaces glycine 157 with aspartic acid.
Molecular consequence: missense variant.
Genome position (GRCh38, 1-based): chr9:134,700,101, G>A. VCF-style: chr9-134700101-G-A. GRCh37 (hg19) VCF-style: chr9-137591947-G-A.
Other names: c.470G>A, p.Gly157Asp (NM_001278074.1); short protein forms G157D.
Identifiers: ClinVar variation 4635338 (VCV004635338.1).
Genomic context (GRCh38, chr9:134,700,101, plus strand): 5'-TCTTCCTCTACGAGGACCACACGGGGAAGCCTGGCCCGGAAGACTACCCCCTCTTCCGGG[G>A]CATCAACCTGTCAGATGGCAAGTAAGTGGGCACTTCTGGGCAACTGTCCCCCTGCTGGAG-3'
Protein context (NP_000084.3, residues 147-167): PGPEDYPLFR[Gly157Asp]INLSDGKWHR

ClinVar aggregate classification (germline): Uncertain significance (1 of 4 stars; one submission).

Conditions:
Familial thoracic aortic aneurysm and aortic dissection (TAAD). Also called: Thoracic aortic aneurysms and dissections. Identifiers: Orphanet 91387, MedGen C4707243, MONDO:0019625.

Submission:

Ambry Genetics
Classification: Uncertain significance for Familial thoracic aortic aneurysm and aortic dissection. Last evaluated: 2025-11-17. Review status: criteria provided, single submitter. Criteria: Ambry Variant Classification Scheme 2023. Collection method: clinical testing. Allele origin: germline.
Comment: The p.G157D variant (also known as c.470G>A), located in coding exon 3 of the COL5A1 gene, results from a G to A substitution at nucleotide position 470. The glycine at codon 157 is replaced by aspartic acid, an amino acid with similar properties. This amino acid position is highly conserved in available vertebrate species. In addition, this alteration is predicted to be tolerated by in silico analysis. Based on the available evidence, the clinical significance of this variant remains unclear.